The following is an entry in ClinVar:

NM_001360.3(DHCR7):c.1352G>T (p.Cys451Phe)

Gene: DHCR7 (7-dehydrocholesterol reductase; minus strand). Cytogenetic location: 11q13.4.
Variant type: single nucleotide variant.
Coding change: c.1352G>T on transcript NM_001360.3 (MANE Select); coding-DNA position 1352, G replaced by T.
Protein change: p.Cys451Phe; replaces cysteine 451 with phenylalanine.
Molecular consequence: missense variant.
Genome position (GRCh38, 1-based): chr11:71,435,451, C>A on the plus strand (G>T on the coding strand, the complement: DHCR7 is on the minus strand). VCF-style: chr11-71435451-C-A. GRCh37 (hg19) VCF-style: chr11-71146497-C-A.
Other names: c.1352G>T, p.Cys451Phe (NM_001163817.2, NM_001425109.1, NM_001425110.1 and 1 more transcripts); c.1403G>T, p.Cys468Phe (NM_001425107.1); c.1388G>T, p.Cys463Phe (NM_001425108.1); c.*115G>T (NM_001425112.1, NM_001425116.1); c.1292G>T, p.Cys431Phe (NM_001425113.1); c.1256G>T, p.Cys419Phe (NM_001425114.1); c.1178G>T, p.Cys393Phe (NM_001425117.1); c.*474G>T (NM_001425119.1); short protein forms C463F, C393F, C451F, C468F, C419F, C431F.
Identifiers: ClinVar variation 2798881 (VCV002798881.3), dbSNP rs1325144749, ClinGen allele CA381700677.
Genomic context (GRCh38, chr11:71,435,451, plus strand): 5'-AGCAGGCGGTAAGGCACTGCGGCGGTGTAGCGCTCCCAGTCCCGGCCGTACTTGCTGGCG[C>A]AGCGGTGCTCGTCCCGGAGGCAGCGGTGGGTCAGCAGGATGGCCATGTAGATGATGTAGA-3'
Protein context (NP_001351.2, residues 441-461): THRCLRDEHR[Cys451Phe]ASKYGRDWER

ClinVar aggregate classification (germline): Likely pathogenic (1 of 4 stars; one submission).

Conditions:
Smith-Lemli-Opitz syndrome (SLOS). Also called: RSH SYNDROME; RUTLEDGE LETHAL MULTIPLE CONGENITAL ANOMALY SYNDROME; 7-Dehydrocholesterol reductase deficiency; LETHAL ACRODYSGENITAL SYNDROME; POLYDACTYLY, SEX REVERSAL, RENAL HYPOPLASIA, AND UNILOBAR LUNG. Identifiers: Orphanet 818, MedGen C0175694, MONDO:0010035, OMIM 270400.

Submission:

Labcorp Genetics (formerly Invitae), Labcorp
Classification: Likely pathogenic for Smith-Lemli-Opitz syndrome. Last evaluated: 2023-05-19. Review status: criteria provided, single submitter. Criteria: Invitae Variant Classification Sherloc (09022015). Collection method: clinical testing. Allele origin: germline.
Comment: This sequence change replaces cysteine, which is neutral and slightly polar, with phenylalanine, which is neutral and non-polar, at codon 451 of the DHCR7 protein (p.Cys451Phe). In summary, the currently available evidence indicates that the variant is pathogenic, but additional data are needed to prove that conclusively. Therefore, this variant has been classified as Likely Pathogenic. This variant disrupts the p.Cys451 amino acid residue in DHCR7. Other variant(s) that disrupt this residue have been determined to be pathogenic (PMID: 31840946). This suggests that this residue is clinically significant, and that variants that disrupt this residue are likely to be disease-causing. Advanced modeling of protein sequence and biophysical properties (such as structural, functional, and spatial information, amino acid conservation, physicochemical variation, residue mobility, and thermodynamic stability) performed at Invitae indicates that this missense variant is expected to disrupt DHCR7 protein function. This variant has not been reported in the literature in individuals affected with DHCR7-related conditions. This variant is not present in population databases (gnomAD no frequency).

Literature cited by the submitters: PubMed 31840946.